The following is an entry in ClinVar:

NM_182548.4(LHFPL5):c.592G>A (p.Val198Met)

Gene: LHFPL5 (LHFPL tetraspan subfamily member 5; plus strand). Cytogenetic location: 6p21.31.
Variant type: single nucleotide variant.
Coding change: c.592G>A on transcript NM_182548.4 (MANE Select); coding-DNA position 592, G replaced by A.
Protein change: p.Val198Met; replaces valine 198 with methionine.
Molecular consequence: missense variant.
Genome position (GRCh38, 1-based): chr6:35,814,725, G>A. VCF-style: chr6-35814725-G-A. GRCh37 (hg19) VCF-style: chr6-35782502-G-A.
Other names: short protein forms V198M.
Identifiers: ClinVar variation 1065100 (VCV001065100.7), dbSNP rs369419802, ClinGen allele CA3774450.

ClinVar aggregate classification (germline): Uncertain significance. Review status: criteria provided, multiple submitters, no conflicts (2 of 4 stars). 2 submissions from 2 submitters: Uncertain significance (2). Last evaluated 2022-01-14.

Conditions:
Hearing impairment. Also called: Impaired Hearing. Identifiers: MedGen C1384666, MONDO:0005365, HP:0000365.

Allele frequency attached by ClinVar (database versions not stated): TOPMed 0.00005; ExAC 0.00008; ESP Exome Variant Server 0.00008.
gnomAD v4.1: 96 of 1,614,022 alleles (0.0059%); highest among the groups gnomAD compares: Non-Finnish European, 0.0076%; 1 homozygote.

Submissions (2):

Labcorp Genetics (formerly Invitae), Labcorp
Classification: Uncertain significance. Last evaluated: 2022-01-14. Review status: criteria provided, single submitter. Criteria: Invitae Variant Classification Sherloc (09022015). Collection method: clinical testing. Allele origin: germline.
Comment: In summary, the available evidence is currently insufficient to determine the role of this variant in disease. Therefore, it has been classified as a Variant of Uncertain Significance. Algorithms developed to predict the effect of missense changes on protein structure and function are either unavailable or do not agree on the potential impact of this missense change (SIFT: "Deleterious"; PolyPhen-2: "Probably Damaging"; Align-GVGD: "Class C0"). ClinVar contains an entry for this variant (Variation ID: 1065100). This variant has not been reported in the literature in individuals affected with LHFPL5-related conditions. This variant is present in population databases (rs369419802, gnomAD 0.01%). This sequence change replaces valine, which is neutral and non-polar, with methionine, which is neutral and non-polar, at codon 198 of the LHFPL5 protein (p.Val198Met).

Department of Otolaryngology – Head & Neck Surgery, Cochlear Implant Center
Classification: Uncertain significance for Hearing impairment. Last evaluated: 2021-04-12. Review status: criteria provided, single submitter. Criteria: ClinGen HL ACMG Specifications v1. Collection method: clinical testing. Allele origin: germline. Affected: yes.
Comment: PM2_Supporting, PP3_Supporting